The following is an entry in ClinVar:

NM_005097.4(LGI1):c.206T>C (p.Val69Ala)

Gene: LGI1 (leucine rich glioma inactivated 1; plus strand). Cytogenetic location: 10q23.33.
Variant type: single nucleotide variant.
Coding change: c.206T>C on transcript NM_005097.4 (MANE Select); coding-DNA position 206, T replaced by C.
Protein change: p.Val69Ala; replaces valine 69 with alanine.
Molecular consequence: missense variant. On other transcripts: non-coding transcript variant (1).
Genome position (GRCh38, 1-based): chr10:93,758,350, T>C. VCF-style: chr10-93758350-T-C. GRCh37 (hg19) VCF-style: chr10-95518107-T-C.
Other names: c.206T>C, p.Val69Ala (NM_001308275.2, NM_001308276.2); short protein forms V69A.
Identifiers: ClinVar variation 2043895 (VCV002043895.4), dbSNP rs2492802010, ClinGen allele CA377631723.

ClinVar aggregate classification (germline): Uncertain significance (1 of 4 stars; one submission).

Conditions:
Autosomal dominant epilepsy with auditory features. Identifiers: Orphanet 101046, MedGen C1838062, MONDO:0010898.

Submission:

Labcorp Genetics (formerly Invitae), Labcorp
Classification: Uncertain significance for Autosomal dominant epilepsy with auditory features. Last evaluated: 2023-11-27. Review status: criteria provided, single submitter. Criteria: Invitae Variant Classification Sherloc (09022015). Collection method: clinical testing. Allele origin: germline.
Comment: This sequence change replaces valine, which is neutral and non-polar, with alanine, which is neutral and non-polar, at codon 69 of the LGI1 protein (p.Val69Ala). This variant is not present in population databases (gnomAD no frequency). This variant has not been reported in the literature in individuals affected with LGI1-related conditions. ClinVar contains an entry for this variant (Variation ID: 2043895). Advanced modeling of protein sequence and biophysical properties (such as structural, functional, and spatial information, amino acid conservation, physicochemical variation, residue mobility, and thermodynamic stability) performed at Invitae indicates that this missense variant is not expected to disrupt LGI1 protein function with a negative predictive value of 80%. In summary, the available evidence is currently insufficient to determine the role of this variant in disease. Therefore, it has been classified as a Variant of Uncertain Significance.